The following is an entry in ClinVar:

NM_018975.4(TERF2IP):c.781T>A (p.Phe261Ile)

Gene: TERF2IP (TERF2 interacting protein; plus strand). Cytogenetic location: 16q23.1.
Variant type: single nucleotide variant.
Coding change: c.781T>A on transcript NM_018975.4 (MANE Select); coding-DNA position 781, T replaced by A.
Protein change: p.Phe261Ile; replaces phenylalanine 261 with isoleucine.
Molecular consequence: missense variant. On other transcripts: non-coding transcript variant (1).
Genome position (GRCh38, 1-based): chr16:75,654,383, T>A. VCF-style: chr16-75654383-T-A. GRCh37 (hg19) VCF-style: chr16-75688281-T-A.
Other names: short protein forms F261I.
Identifiers: ClinVar variation 3680857 (VCV003680857.2).

ClinVar aggregate classification (germline): Uncertain significance (1 of 4 stars; one submission).

Submission:

Labcorp Genetics (formerly Invitae), Labcorp
Classification: Uncertain significance. Last evaluated: 2024-02-04. Review status: criteria provided, single submitter. Criteria: Invitae Variant Classification Sherloc (09022015). Collection method: clinical testing. Allele origin: germline.
Comment: This sequence change replaces phenylalanine, which is neutral and non-polar, with isoleucine, which is neutral and non-polar, at codon 261 of the TERF2IP protein (p.Phe261Ile). This variant is not present in population databases (gnomAD no frequency). This variant has not been reported in the literature in individuals affected with TERF2IP-related conditions. An algorithm developed to predict the effect of missense changes on protein structure and function (PolyPhen-2) suggests that this variant is likely to be tolerated. In summary, the available evidence is currently insufficient to determine the role of this variant in disease. Therefore, it has been classified as a Variant of Uncertain Significance.